The following is an entry in ClinVar:

NM_005984.5(SLC25A1):c.34G>A (p.Ala12Thr)

Gene: SLC25A1 (solute carrier family 25 member 1; minus strand). Cytogenetic location: 22q11.21.
Variant type: single nucleotide variant.
Coding change: c.34G>A on transcript NM_005984.5 (MANE Select); coding-DNA position 34, G replaced by A.
Protein change: p.Ala12Thr; replaces alanine 12 with threonine.
Molecular consequence: missense variant. On other transcripts: non-coding transcript variant (1).
Genome position (GRCh38, 1-based): chr22:19,178,640, C>T on the plus strand (G>A on the coding strand, the complement: SLC25A1 is on the minus strand). VCF-style: chr22-19178640-C-T. GRCh37 (hg19) VCF-style: chr22-19166153-C-T.
Other names: short protein forms A12T.
Identifiers: ClinVar variation 436745 (VCV000436745.15), dbSNP rs1555923611, ClinGen allele CA410644491.

ClinVar aggregate classification (germline): Uncertain significance. Review status: criteria provided, multiple submitters, no conflicts (2 of 4 stars). 3 submissions from 3 submitters: Uncertain significance (3). Last evaluated 2026-01-19.

Allele frequency attached by ClinVar (database versions not stated): gnomAD below 0.00001 and 0.00006; TOPMed 0.00002; gnomAD exomes 0.00005.

Submissions (3):

Labcorp Genetics (formerly Invitae), Labcorp
Classification: Uncertain significance. Last evaluated: 2026-01-19. Review status: criteria provided, single submitter. Criteria: Invitae Variant Classification Sherloc (09022015). Collection method: clinical testing. Allele origin: germline.
Comment: This sequence change replaces alanine, which is neutral and non-polar, with threonine, which is neutral and polar, at codon 12 of the SLC25A1 protein (p.Ala12Thr). This variant is not present in population databases (gnomAD no frequency). This variant has not been reported in the literature in individuals affected with SLC25A1-related conditions. ClinVar contains an entry for this variant (Variation ID: 436745). Experimental studies and prediction algorithms are not available or were not evaluated, and the functional significance of this variant is currently unknown. In summary, the available evidence is currently insufficient to determine the role of this variant in disease. Therefore, it has been classified as a Variant of Uncertain Significance.

Revvity Omics, Revvity
Classification: Uncertain significance. Last evaluated: 2025-06-17. Review status: criteria provided, single submitter. Criteria: ACMG Guidelines, 2015. Collection method: clinical testing. Allele origin: germline.

Genetic Services Laboratory, University of Chicago
Classification: Uncertain significance. Last evaluated: 2016-10-11. Review status: criteria provided, single submitter. Criteria: ACMG Guidelines, 2015. Collection method: clinical testing. Allele origin: germline. Affected: no.